The following is an entry in ClinVar:

NM_006739.4(MCM5):c.1112G>A (p.Arg371His)

Gene: MCM5 (minichromosome maintenance complex component 5; plus strand). Cytogenetic location: 22q12.3.
Variant type: single nucleotide variant.
Coding change: c.1112G>A on transcript NM_006739.4 (MANE Select); coding-DNA position 1112, G replaced by A.
Protein change: p.Arg371His; replaces arginine 371 with histidine.
Molecular consequence: missense variant.
Genome position (GRCh38, 1-based): chr22:35,413,895, G>A. VCF-style: chr22-35413895-G-A. GRCh37 (hg19) VCF-style: chr22-35809888-G-A.
Other names: short protein forms R371H.
Identifiers: ClinVar variation 3677315 (VCV003677315.2).

ClinVar aggregate classification (germline): Uncertain significance (1 of 4 stars; one submission).

Submission:

Labcorp Genetics (formerly Invitae), Labcorp
Classification: Uncertain significance. Last evaluated: 2024-08-31. Review status: criteria provided, single submitter. Criteria: Invitae Variant Classification Sherloc (09022015). Collection method: clinical testing. Allele origin: germline.
Comment: This sequence change replaces arginine, which is basic and polar, with histidine, which is basic and polar, at codon 371 of the MCM5 protein (p.Arg371His). This variant is not present in population databases (gnomAD no frequency). This variant has not been reported in the literature in individuals affected with MCM5-related conditions. Invitae Evidence Modeling of protein sequence and biophysical properties (such as structural, functional, and spatial information, amino acid conservation, physicochemical variation, residue mobility, and thermodynamic stability) indicates that this missense variant is expected to disrupt MCM5 protein function with a positive predictive value of 80%. In summary, the available evidence is currently insufficient to determine the role of this variant in disease. Therefore, it has been classified as a Variant of Uncertain Significance.